The following is an entry in ClinVar:

ClinVar aggregate classification (germline): Uncertain significance (1 of 4 stars; one submission).

Conditions:
Cardiovascular phenotype. Identifiers: MedGen CN230736.

Allele frequency attached by ClinVar (database versions not stated): gnomAD exomes below 0.00001; ExAC 0.00001.
gnomAD v4.1: 2 of 1,614,078 alleles (0.00012%); highest among the groups gnomAD compares: African/African-American, 0.0013%; no homozygotes.

Submission:

Ambry Genetics
Classification: Uncertain significance for Cardiovascular phenotype. Last evaluated: 2022-12-27. Review status: criteria provided, single submitter. Criteria: Ambry Variant Classification Scheme 2023. Collection method: clinical testing. Allele origin: germline.
Comment: The p.R278G variant (also known as c.832A>G), located in coding exon 1 of the MYPN gene, results from an A to G substitution at nucleotide position 832. The arginine at codon 278 is replaced by glycine, an amino acid with dissimilar properties. This variant has been detected in an individual reported to have hypertrophic cardiomyopathy; however, details were limited (Lu C et al. J Transl Med, 2018 Aug;16:241). This amino acid position is highly conserved in available vertebrate species. In addition, this alteration is predicted to be deleterious by in silico analysis. Since supporting evidence is limited at this time, the clinical significance of this alteration remains unclear.

Literature cited by the submitters: PubMed 30165862.

NM_032578.4(MYPN):c.832A>G (p.Arg278Gly)

Gene: MYPN (myopalladin; plus strand). Cytogenetic location: 10q21.3.
Variant type: single nucleotide variant.
Coding change: c.832A>G on transcript NM_032578.4 (MANE Select); coding-DNA position 832, A replaced by G.
Protein change: p.Arg278Gly; replaces arginine 278 with glycine.
Molecular consequence: missense variant. On other transcripts: 5 prime UTR variant (1), non-coding transcript variant (1).
Genome position (GRCh38, 1-based): chr10:68,122,270, A>G. VCF-style: chr10-68122270-A-G. GRCh37 (hg19) VCF-style: chr10-69882027-A-G.
Other names: c.832A>G, p.Arg278Gly (NM_001256267.2); c.-291A>G (NM_001256268.2); short protein forms R278G.
Identifiers: ClinVar variation 2449127 (VCV002449127.2), dbSNP rs775166479, ClinGen allele CA5522343.